The following is an entry in ClinVar:

NM_020232.5(PSMG2):c.16G>C (p.Gly6Arg)

Gene: PSMG2 (proteasome assembly chaperone 2; plus strand). Cytogenetic location: 18p11.21.
Variant type: single nucleotide variant.
Coding change: c.16G>C on transcript NM_020232.5 (MANE Select); coding-DNA position 16, G replaced by C.
Protein change: p.Gly6Arg; replaces glycine 6 with arginine.
Molecular consequence: missense variant. On other transcripts: intron variant (1).
Genome position (GRCh38, 1-based): chr18:12,703,123, G>C. VCF-style: chr18-12703123-G-C. GRCh37 (hg19) VCF-style: chr18-12703122-G-C.
Other names: c.-36-3427G>C (NM_147163.2); short protein forms G6R.
Identifiers: ClinVar variation 1970419 (VCV001970419.5), dbSNP rs756591475, ClinGen allele CA8898263.

ClinVar aggregate classification (germline): Uncertain significance (1 of 4 stars; one submission).

Allele frequency attached by ClinVar (database versions not stated): ExAC 0.00001.
gnomAD v4.1: 1 of 1,612,506 alleles (0.000062%); highest among the groups gnomAD compares: Non-Finnish European, 0.000085%; no homozygotes.

Submission:

Labcorp Genetics (formerly Invitae), Labcorp
Classification: Uncertain significance. Last evaluated: 2022-03-13. Review status: criteria provided, single submitter. Criteria: Invitae Variant Classification Sherloc (09022015). Collection method: clinical testing. Allele origin: germline.
Comment: In summary, the available evidence is currently insufficient to determine the role of this variant in disease. Therefore, it has been classified as a Variant of Uncertain Significance. Algorithms developed to predict the effect of missense changes on protein structure and function (SIFT, PolyPhen-2, Align-GVGD) all suggest that this variant is likely to be tolerated. This variant has not been reported in the literature in individuals affected with PSMG2-related conditions. This variant is present in population databases (rs756591475, gnomAD 0.0009%). This sequence change replaces glycine, which is neutral and non-polar, with arginine, which is basic and polar, at codon 6 of the PSMG2 protein (p.Gly6Arg).